The following is an entry in ClinVar:

NM_001035.3(RYR2):c.4693C>G (p.Pro1565Ala)

Gene: RYR2 (ryanodine receptor 2; plus strand). Cytogenetic location: 1q43.
Variant type: single nucleotide variant.
Coding change: c.4693C>G on transcript NM_001035.3 (MANE Select); coding-DNA position 4693, C replaced by G.
Protein change: p.Pro1565Ala; replaces proline 1565 with alanine.
Molecular consequence: missense variant.
Genome position (GRCh38, 1-based): chr1:237,610,771, C>G. VCF-style: chr1-237610771-C-G. GRCh37 (hg19) VCF-style: chr1-237774071-C-G.
Other names: short protein forms P1565A.
Identifiers: ClinVar variation 201249 (VCV000201249.14), dbSNP rs778783933, ClinGen allele CA009653.

ClinVar aggregate classification (germline): Conflicting classifications of pathogenicity. Review status: criteria provided, conflicting classifications (1 of 4 stars). 5 submissions from 5 submitters: Uncertain significance (1); Likely benign (4). Last evaluated 2025-10-07.

Conditions:
Cardiovascular phenotype. Identifiers: MedGen CN230736.
Cardiomyopathy (CMYO). Also called: Cardiomyopathies. Identifiers: Orphanet 167848, MedGen C0878544, MONDO:0004994, HP:0001638. Inheritance: Various modes of inheritance.
Catecholaminergic polymorphic ventricular tachycardia 1. Also called: RYR2-Related Catecholaminergic Polymorphic Ventricular Tachycardia; VENTRICULAR TACHYCARDIA, CATECHOLAMINERGIC POLYMORPHIC, 1, WITH OR WITHOUT ATRIAL DYSFUNCTION AND/OR DILATED CARDIOMYOPATHY; VENTRICULAR TACHYCARDIA, STRESS-INDUCED POLYMORPHIC 1. Identifiers: Orphanet 3286, MedGen C1631597, MONDO:0011484, OMIM 604772.

Allele frequency attached by ClinVar (database versions not stated): gnomAD below 0.00001 and 0.00003; TOPMed 0.00001; gnomAD exomes 0.00011; ExAC 0.00025.
gnomAD v4.1: 73 of 1,603,052 alleles (0.0046%); highest among the groups gnomAD compares: South Asian, 0.079%; 3 homozygotes.

Submissions (5):

Ambry Genetics
Classification: Likely benign for Cardiovascular phenotype. Last evaluated: 2025-10-07. Review status: criteria provided, single submitter. Criteria: Ambry Variant Classification Scheme 2023. Collection method: clinical testing. Allele origin: germline.

Labcorp Genetics (formerly Invitae), Labcorp
Classification: Likely benign for Catecholaminergic polymorphic ventricular tachycardia 1. Last evaluated: 2025-03-11. Review status: criteria provided, single submitter. Criteria: Invitae Variant Classification Sherloc (09022015). Collection method: clinical testing. Allele origin: germline.

Women's Health and Genetics/Laboratory Corporation of America, LabCorp
Classification: Likely benign. Last evaluated: 2022-03-22. Review status: criteria provided, single submitter. Criteria: LabCorp Variant Classification Summary - May 2015. Collection method: clinical testing. Allele origin: germline.
Comment: Variant summary: RYR2 c.4693C>G (p.Pro1565Ala) results in a non-conservative amino acid change in the encoded protein sequence. Five of five in-silico tools predict a damaging effect of the variant on protein function. The variant allele was found at a frequency of 0.00011 in 236230 control chromosomes, predominantly at a frequency of 0.0009 within the South Asian subpopulation in the gnomAD database. The observed variant frequency within South Asian control individuals in the gnomAD database is approximately 26-fold of the estimated maximal expected allele frequency for a pathogenic variant in RYR2 causing Catecholaminergic Polymorphic Ventricular Tachycardia phenotype (3.4e-05), strongly suggesting that the variant is a benign polymorphism found primarily in populations of South Asian origin. c.4693C>G has been reported in the literature in an individual with arrhythmogenic right ventricular dysplasia/cardiomyopathy (te Riele_2013). This report does not provide unequivocal conclusions about association of the variant with Catecholaminergic Polymorphic Ventricular Tachycardia. To our knowledge, no experimental evidence demonstrating an impact on protein function has been reported. Two clinical diagnostic laboratories have submitted clinical-significance assessments for this variant to ClinVar after 2014 and classified the variant as likely benign, and as VUS. Based on the evidence outlined above, the variant was classified as likely benign.

Mendelics
Classification: Uncertain significance for Catecholaminergic polymorphic ventricular tachycardia 1. Last evaluated: 2019-05-28. Review status: criteria provided, single submitter. Criteria: Mendelics Assertion Criteria 2017. Collection method: clinical testing. Allele origin: unknown.

Color Diagnostics, LLC DBA Color Health
Classification: Likely benign for Cardiomyopathy. Last evaluated: 2018-12-11. Review status: criteria provided, single submitter. Criteria: ACMG Guidelines, 2015. Collection method: clinical testing. Allele origin: germline.

Literature cited by the submitters: PubMed 23810894 (cited by Women's Health and Genetics/Laboratory Corporation of America, LabCorp); PubMed 28404607 (cited by Women's Health and Genetics/Laboratory Corporation of America, LabCorp); PubMed 25820315 (cited by Women's Health and Genetics/Laboratory Corporation of America, LabCorp); PubMed 25616645 (cited by Women's Health and Genetics/Laboratory Corporation of America, LabCorp); PubMed 31402444 (cited by Women's Health and Genetics/Laboratory Corporation of America, LabCorp); PubMed 32048431 (cited by Women's Health and Genetics/Laboratory Corporation of America, LabCorp).